The following is an entry in ClinVar:

NM_000458.4(HNF1B):c.217C>T (p.Arg73Cys)

Gene: HNF1B (HNF1 homeobox B; minus strand). Cytogenetic location: 17q12.
Variant type: single nucleotide variant.
Coding change: c.217C>T on transcript NM_000458.4 (MANE Select); coding-DNA position 217, C replaced by T.
Protein change: p.Arg73Cys; replaces arginine 73 with cysteine.
Molecular consequence: missense variant.
Genome position (GRCh38, 1-based): chr17:37,744,668, G>A on the plus strand (C>T on the coding strand, the complement: HNF1B is on the minus strand). VCF-style: chr17-37744668-G-A. GRCh37 (hg19) VCF-style: chr17-36104659-G-A.
Other names: c.217C>T, p.Arg73Cys (NM_001165923.4, NM_001304286.2, NM_001411100.1); short protein forms R73C.
Identifiers: ClinVar variation 3624615 (VCV003624615.2).

ClinVar aggregate classification (germline): Uncertain significance (1 of 4 stars; one submission).

gnomAD v4.1: 4 of 1,613,368 alleles (0.00025%); highest among the groups gnomAD compares: Non-Finnish European, 0.00034%; no homozygotes.

Submission:

Labcorp Genetics (formerly Invitae), Labcorp
Classification: Uncertain significance. Last evaluated: 2024-02-20. Review status: criteria provided, single submitter. Criteria: Invitae Variant Classification Sherloc (09022015). Collection method: clinical testing. Allele origin: germline.
Comment: This sequence change replaces arginine, which is basic and polar, with cysteine, which is neutral and slightly polar, at codon 73 of the HNF1B protein (p.Arg73Cys). This variant is not present in population databases (gnomAD no frequency). This variant has not been reported in the literature in individuals affected with HNF1B-related conditions. Advanced modeling of protein sequence and biophysical properties (such as structural, functional, and spatial information, amino acid conservation, physicochemical variation, residue mobility, and thermodynamic stability) performed at Invitae indicates that this missense variant is not expected to disrupt HNF1B protein function with a negative predictive value of 80%. In summary, the available evidence is currently insufficient to determine the role of this variant in disease. Therefore, it has been classified as a Variant of Uncertain Significance.